The following is an entry in ClinVar:

NM_000520.6(HEXA):c.1384G>A (p.Glu462Lys)

Gene: HEXA (hexosaminidase subunit alpha; minus strand). Cytogenetic location: 15q23.
Variant type: single nucleotide variant.
Coding change: c.1384G>A on transcript NM_000520.6 (MANE Select); coding-DNA position 1384, G replaced by A.
Protein change: p.Glu462Lys; replaces glutamic acid 462 with lysine.
Molecular consequence: missense variant. On other transcripts: non-coding transcript variant (1).
Genome position (GRCh38, 1-based): chr15:72,346,272, C>T on the plus strand (G>A on the coding strand, the complement: HEXA is on the minus strand). VCF-style: chr15-72346272-C-T. GRCh37 (hg19) VCF-style: chr15-72638613-C-T.
Other names: c.1417G>A, p.Glu473Lys (NM_001318825.2); c.1384G>A (NM_000520.5); short protein forms E462K, E473K.
Identifiers: ClinVar variation 3911942 (VCV003911942.3).

ClinVar aggregate classification (germline): Uncertain significance. Review status: criteria provided, single submitter (1 of 4 stars). 2 submissions from 2 submitters: Uncertain significance (1). 1 of the submissions does not count toward it. Last evaluated 2025-07-03.

Conditions:
Tay-Sachs disease (TSD). Also called: HEXA Disorders; HEXA DEFICIENCY; GM2 gangliosidosis, type 1; Hexosaminidase alpha-subunit deficiency (variant B); Sphingolipidosis, Tay-Sachs; Hexosaminidase A Deficiency. Identifiers: Orphanet 845, MedGen C0039373, MONDO:0010100, OMIM 272800.

gnomAD v4.1: 3 of 1,614,048 alleles (0.00019%); highest among the groups gnomAD compares: Non-Finnish European, 0.00025%; no homozygotes.

Submissions (2):

Women's Health and Genetics/Laboratory Corporation of America, LabCorp
Classification: Uncertain significance. Last evaluated: 2025-07-03. Review status: criteria provided, single submitter. Criteria: LabCorp Variant Classification Summary - May 2015. Collection method: clinical testing. Allele origin: germline.
Comment: Variant summary: HEXA c.1384G>A (p.Glu462Lys) results in a conservative amino acid change in the encoded protein sequence. Algorithms developed to predict the effect of missense changes on protein structure and function are either unavailable or do not agree on the potential impact of this missense change. The variant was absent in 251200 control chromosomes. The available data on variant occurrences in the general population are insufficient to allow any conclusion about variant significance. To our knowledge, no occurrence of c.1384G>A in individuals affected with Tay-Sachs Disease and no experimental evidence demonstrating its impact on protein function have been reported. No submitters have cited clinical-significance assessments for this variant to ClinVar. Based on the evidence outlined above, the variant was classified as uncertain significance.

Natera, Inc.
Classification: Likely pathogenic for Tay-Sachs disease. Last evaluated: 2025-03-19. Review status: no assertion criteria provided. Collection method: clinical testing. Allele origin: germline. Not counted in ClinVar's aggregate classification.